The following is an entry in ClinVar:

NM_001165963.4(SCN1A):c.3024_3025del (p.Glu1008fs)

Gene: SCN1A (sodium voltage-gated channel alpha subunit 1; minus strand). Cytogenetic location: 2q24.3.
Variant type: Deletion.
Coding change: c.3024_3025del on transcript NM_001165963.4 (MANE Select); coding-DNA positions 3024 to 3025, 2 bases deleted (AA; older notation c.3024_3025delAA).
Protein change: p.Glu1008fs; shifts the reading frame from glutamic acid 1008.
Molecular consequence: frameshift variant. On other transcripts: non-coding transcript variant (1).
Genome position (GRCh38, 1-based): chr2:166,036,452-166,036,453, TT deleted on the plus strand (AA on the coding strand, the reverse complement: SCN1A is on the minus strand); deleting any 2 consecutive bases within chr2:166,036,452-166,036,454 gives the same sequence; the c. name uses the placement nearest the transcript's 3' end. VCF-style (leftmost placement, unchanged base first): chr2-166036451-ATT-A. GRCh37 (hg19) VCF-style: chr2-166892961-ATT-A.
Other names: c.2940_2941del, p.Glu980fs (NM_001353957.2, NM_001353958.2, NM_001165964.3); c.2937_2938del, p.Glu979fs (NM_001353960.2); c.582_583del, p.Glu194fs (NM_001353961.2); c.2991_2992del, p.Glu997fs (NM_006920.6, NM_001353949.2, NM_001353950.2 and 2 more transcripts); c.3024_3025del, p.Glu1008fs (NM_001353948.2, NM_001202435.3); c.2988_2989del, p.Glu996fs (NM_001353954.2, NM_001353955.2); short protein forms E1008fs, E194fs, E979fs, E980fs, E996fs, E997fs.
Identifiers: ClinVar variation 4082346 (VCV004082346.1).

ClinVar aggregate classification (germline): Likely pathogenic (1 of 4 stars; one submission).

Conditions:
Severe myoclonic epilepsy in infancy (DRVT). Also called: Severe Myoclonic Epilepsy in Infancy (SMEI); Epileptic encephalopathy, early infantile, 6 (Dravet syndrome); SEVERE MYOCLONIC EPILEPSY OF INFANCY; DEVELOPMENTAL AND EPILEPTIC ENCEPHALOPATHY 6A; Dravet syndrome. Identifiers: Orphanet 33069, MedGen C0751122, MONDO:0100135, OMIM 607208.

Submission:

Institute of Human Genetics, University of Leipzig Medical Center
Classification: Likely pathogenic for Severe myoclonic epilepsy in infancy. Last evaluated: 2025-07-18. Review status: criteria provided, single submitter. Criteria: ACMG Guidelines, 2015. Collection method: clinical testing. Allele origin: unknown. Inheritance: Autosomal dominant inheritance. Affected: yes.
Comment: Criteria applied: PVS1,PM2_SUP